The following is an entry in ClinVar:

NM_001130823.3(DNMT1):c.3166A>T (p.Asn1056Tyr)

Gene: DNMT1 (DNA methyltransferase 1; minus strand). Cytogenetic location: 19p13.2.
Variant type: single nucleotide variant.
Coding change: c.3166A>T on transcript NM_001130823.3 (MANE Select); coding-DNA position 3166, A replaced by T.
Protein change: p.Asn1056Tyr; replaces asparagine 1056 with tyrosine.
Molecular consequence: missense variant.
Genome position (GRCh38, 1-based): chr19:10,142,171, T>A on the plus strand (A>T on the coding strand, the complement: DNMT1 is on the minus strand). VCF-style: chr19-10142171-T-A. GRCh37 (hg19) VCF-style: chr19-10252847-T-A.
Other names: c.3118A>T, p.Asn1040Tyr (NM_001318730.2, NM_001379.4); c.2803A>T, p.Asn935Tyr (NM_001318731.2); short protein forms N1040Y, N1056Y, N935Y.
Identifiers: ClinVar variation 1005186 (VCV001005186.8), dbSNP rs2089613245, ClinGen allele CA403975396.

ClinVar aggregate classification (germline): Uncertain significance (1 of 4 stars; one submission).

Conditions:
Hereditary sensory neuropathy-deafness-dementia syndrome. Also called: NEUROPATHY, HEREDITARY SENSORY, WITH HEARING LOSS AND DEMENTIA; Hereditary Sensory and Autonomic Neuropathy Type 1E (HSAN1E); HSN IE; Hereditary sensory neuropathy type IE. Identifiers: Orphanet 456318, MedGen C3279885, MONDO:0013584, OMIM 614116.

Submission:

Labcorp Genetics (formerly Invitae), Labcorp
Classification: Uncertain significance for Hereditary sensory neuropathy-deafness-dementia syndrome. Last evaluated: 2020-04-11. Review status: criteria provided, single submitter. Criteria: Invitae Variant Classification Sherloc (09022015). Collection method: clinical testing. Allele origin: germline.
Comment: This sequence change replaces asparagine with tyrosine at codon 1056 of the DNMT1 protein (p.Asn1056Tyr). The asparagine residue is highly conserved and there is a large physicochemical difference between asparagine and tyrosine. This variant is not present in population databases (ExAC no frequency). This variant has not been reported in the literature in individuals with DNMT1-related conditions. Algorithms developed to predict the effect of missense changes on protein structure and function are either unavailable or do not agree on the potential impact of this missense change (SIFT: "Deleterious"; PolyPhen-2: "Probably Damaging"; Align-GVGD: "Class C15"). In summary, the available evidence is currently insufficient to determine the role of this variant in disease. Therefore, it has been classified as a Variant of Uncertain Significance.